The following is an entry in ClinVar:

ClinVar aggregate classification (germline): Uncertain significance (1 of 4 stars; one submission).

Conditions:
Familial hemiplegic migraine. Identifiers: MedGen C0338484, MONDO:0000700.

Submission:

Labcorp Genetics (formerly Invitae), Labcorp
Classification: Uncertain significance for Familial hemiplegic migraine. Last evaluated: 2023-11-11. Review status: criteria provided, single submitter. Criteria: Invitae Variant Classification Sherloc (09022015). Collection method: clinical testing. Allele origin: germline.
Comment: This sequence change replaces isoleucine, which is neutral and non-polar, with phenylalanine, which is neutral and non-polar, at codon 325 of the ATP1A2 protein (p.Ile325Phe). This variant is not present in population databases (gnomAD no frequency). This variant has not been reported in the literature in individuals affected with ATP1A2-related conditions. Advanced modeling of protein sequence and biophysical properties (such as structural, functional, and spatial information, amino acid conservation, physicochemical variation, residue mobility, and thermodynamic stability) has been performed at Invitae for this missense variant, however the output from this modeling did not meet the statistical confidence thresholds required to predict the impact of this variant on ATP1A2 protein function. In summary, the available evidence is currently insufficient to determine the role of this variant in disease. Therefore, it has been classified as a Variant of Uncertain Significance.

NM_000702.4(ATP1A2):c.973A>T (p.Ile325Phe)

Gene: ATP1A2 (ATPase Na+/K+ transporting subunit alpha 2; plus strand). Cytogenetic location: 1q23.2.
Variant type: single nucleotide variant.
Coding change: c.973A>T on transcript NM_000702.4 (MANE Select); coding-DNA position 973, A replaced by T.
Protein change: p.Ile325Phe; replaces isoleucine 325 with phenylalanine.
Molecular consequence: missense variant.
Genome position (GRCh38, 1-based): chr1:160,127,776, A>T. VCF-style: chr1-160127776-A-T. GRCh37 (hg19) VCF-style: chr1-160097566-A-T.
Other names: short protein forms I325F.
Identifiers: ClinVar variation 2695030 (VCV002695030.3), dbSNP rs1651630010, ClinGen allele CA343238617.